The following is an entry in ClinVar:

ClinVar aggregate classification (germline): Uncertain significance. Review status: criteria provided, multiple submitters, no conflicts (2 of 4 stars). 3 submissions from 3 submitters: Uncertain significance (3). Last evaluated 2026-07-07.

Conditions:
Gorlin syndrome. Also called: Nevoid Basal Cell Carcinoma Syndrome; Basal cell nevus syndrome. Identifiers: Orphanet 377, MedGen C0004779, MONDO:0007187.
Hereditary cancer-predisposing syndrome. Also called: Tumor predisposition; Hereditary Cancer Syndrome; Hereditary neoplastic syndrome; Neoplastic Syndromes, Hereditary. Identifiers: Orphanet 140162, MedGen C0027672, MeSH D009386, MONDO:0015356.

Allele frequency attached by ClinVar (database versions not stated): gnomAD exomes below 0.00001.
gnomAD v4.1: 1 of 1,613,098 alleles (0.000062%); highest among the groups gnomAD compares: Non-Finnish European, 0.000085%; no homozygotes.

Submissions (3):

Ambry Genetics
Classification: Uncertain significance for Hereditary cancer-predisposing syndrome. Last evaluated: 2026-07-07. Review status: criteria provided, single submitter. Criteria: Ambry Variant Classification Scheme 2023. Collection method: clinical testing. Allele origin: germline.
Comment: The p.Y1298C variant (also known as c.3893A>G), located in coding exon 23 of the PTCH1 gene, results from an A to G substitution at nucleotide position 3893. The tyrosine at codon 1298 is replaced by cysteine, an amino acid with highly dissimilar properties. This amino acid position is conserved. In addition, the in silico prediction for this alteration is inconclusive. Based on the available evidence, the clinical significance of this variant remains unclear.

Labcorp Genetics (formerly Invitae), Labcorp
Classification: Uncertain significance for Gorlin syndrome. Last evaluated: 2022-12-14. Review status: criteria provided, single submitter. Criteria: Invitae Variant Classification Sherloc (09022015). Collection method: clinical testing. Allele origin: germline.
Comment: This sequence change replaces tyrosine, which is neutral and polar, with cysteine, which is neutral and slightly polar, at codon 1364 of the PTCH1 protein (p.Tyr1364Cys). This variant is not present in population databases (gnomAD no frequency). This variant has not been reported in the literature in individuals affected with PTCH1-related conditions. ClinVar contains an entry for this variant (Variation ID: 1038854). Advanced modeling of protein sequence and biophysical properties (such as structural, functional, and spatial information, amino acid conservation, physicochemical variation, residue mobility, and thermodynamic stability) performed at Invitae indicates that this missense variant is not expected to disrupt PTCH1 protein function. In summary, the available evidence is currently insufficient to determine the role of this variant in disease. Therefore, it has been classified as a Variant of Uncertain Significance.

Blueprint Genetics
Classification: Uncertain significance. Last evaluated: 2022-11-25. Review status: criteria provided, single submitter. Criteria: ACMG Guidelines, 2015. Collection method: clinical testing. Allele origin: germline.

NM_000264.5(PTCH1):c.4091A>G (p.Tyr1364Cys)

Gene: PTCH1 (patched 1; minus strand). Cytogenetic location: 9q22.32.
Variant type: single nucleotide variant.
Coding change: c.4091A>G on transcript NM_000264.5 (MANE Select); coding-DNA position 4091, A replaced by G.
Protein change: p.Tyr1364Cys; replaces tyrosine 1364 with cysteine.
Molecular consequence: missense variant. On other transcripts: non-coding transcript variant (1).
Genome position (GRCh38, 1-based): chr9:95,447,165, T>C on the plus strand (A>G on the coding strand, the complement: PTCH1 is on the minus strand). VCF-style: chr9-95447165-T-C. GRCh37 (hg19) VCF-style: chr9-98209447-T-C.
Other names: c.3893A>G, p.Tyr1298Cys (NM_001083602.3); c.4088A>G, p.Tyr1363Cys (NM_001083603.3); c.3638A>G, p.Tyr1213Cys (NM_001083604.3, NM_001083605.3, NM_001083606.3 and 1 more transcripts); c.3935A>G, p.Tyr1312Cys (NM_001354918.2); c.3893A>G (NM_001083602.1); short protein forms Y1298C, Y1363C, Y1213C, Y1312C, Y1364C.
Identifiers: ClinVar variation 1038854 (VCV001038854.9), dbSNP rs1838000346, ClinGen allele CA374110338.
Genomic context (GRCh38, chr9:95,447,165, plus strand): 5'-GGCGGGTGCACGGCGACAGTCACGGAGGCAGAAGCCGTCACAGTGGTGATGGGCTGGCAG[T>C]AGCCGGGCACGGAGCTGCCCATGGCAGTGGACGCTGGGTTCCGAGGGTTGTGAGAACGGG-3'
Protein context (NP_000255.2, residues 1354-1374): STAMGSSVPG[Tyr1364Cys]CQPITTVTAS